The following is an entry in ClinVar:

NM_019024.3(HEATR5B):c.2904G>A (p.Pro968=)

Gene: HEATR5B (HEAT repeat containing 5B; minus strand). Cytogenetic location: 2p22.2.
Variant type: single nucleotide variant.
Coding change: c.2904G>A on transcript NM_019024.3 (MANE Select); coding-DNA position 2904, G replaced by A.
Protein change: p.Pro968=; no amino-acid change (proline 968 retained).
Molecular consequence: synonymous variant.
Genome position (GRCh38, 1-based): chr2:37,040,471, C>T on the plus strand (G>A on the coding strand, the complement: HEATR5B is on the minus strand). VCF-style: chr2-37040471-C-T. GRCh37 (hg19) VCF-style: chr2-37267614-C-T.
Identifiers: ClinVar variation 2650829 (VCV002650829.24), dbSNP rs148086344, ClinGen allele CA1613894.

ClinVar aggregate classification (germline): Likely benign (1 of 4 stars; one submission).

Allele frequency attached by ClinVar (database versions not stated): 1000 Genomes Project 0.00080; 1000 Genomes Project 30x 0.00094.
gnomAD v4.1: 35 of 1,613,670 alleles (0.0022%); highest among the groups gnomAD compares: African/African-American, 0.039%; no homozygotes.

Submission:

CeGaT Center for Human Genetics Tuebingen
Classification: Likely benign. Last evaluated: 2022-05-01. Review status: criteria provided, single submitter. Criteria: CeGaT Center For Human Genetics Tuebingen Variant Classification Criteria Version 2. Collection method: clinical testing. Allele origin: germline. Affected: yes. Observed: 1 variant allele.
Comment: HEATR5B: BP4, BP7